The following is an entry in ClinVar:

ClinVar aggregate classification (germline): Uncertain significance (1 of 4 stars; one submission).

gnomAD v4.1: 3 of 1,207,151 alleles (0.00025%); highest among the groups gnomAD compares: Non-Finnish European, 0.00034%; no homozygotes.

Submission:

Labcorp Genetics (formerly Invitae), Labcorp
Classification: Uncertain significance. Last evaluated: 2024-04-09. Review status: criteria provided, single submitter. Criteria: Invitae Variant Classification Sherloc (09022015). Collection method: clinical testing. Allele origin: germline.
Comment: This sequence change replaces arginine, which is basic and polar, with glutamine, which is neutral and polar, at codon 34 of the CLCN5 protein (p.Arg34Gln). This variant is not present in population databases (gnomAD no frequency). This variant has not been reported in the literature in individuals affected with CLCN5-related conditions. An algorithm developed to predict the effect of missense changes on protein structure and function (PolyPhen-2) suggests that this variant is likely to be disruptive. In summary, the available evidence is currently insufficient to determine the role of this variant in disease. Therefore, it has been classified as a Variant of Uncertain Significance.

NM_001127898.4(CLCN5):c.311G>A (p.Arg104Gln)

Gene: CLCN5 (chloride voltage-gated channel 5; plus strand). Cytogenetic location: Xp11.23.
Variant type: single nucleotide variant.
Coding change: c.311G>A on transcript NM_001127898.4 (MANE Select); coding-DNA position 311, G replaced by A.
Protein change: p.Arg104Gln; replaces arginine 104 with glutamine.
Molecular consequence: missense variant.
Genome position (GRCh38, 1-based): chrX:50,070,026, G>A. VCF-style: chrX-50070026-G-A. GRCh37 (hg19) VCF-style: chrX-49834681-G-A.
Other names: c.101G>A, p.Arg34Gln (NM_000084.5); c.311G>A, p.Arg104Gln (NM_001127899.4); c.161G>A, p.Arg54Gln (NM_001282163.2); short protein forms R104Q, R34Q, R54Q.
Identifiers: ClinVar variation 3649384 (VCV003649384.2).